The following is an entry in ClinVar:

ClinVar aggregate classification (germline): Conflicting classifications of pathogenicity. Review status: criteria provided, conflicting classifications (1 of 4 stars). 2 submissions from 2 submitters: Uncertain significance (1); Likely benign (1). Last evaluated 2026-02-02.

Conditions:
ALG8-related disorder.
ALG8 congenital disorder of glycosylation. Also called: ALG8-CDG; CONGENITAL DISORDER OF GLYCOSYLATION, TYPE Ih; CDG Ih. Identifiers: Orphanet 79325, MedGen C2931002, MONDO:0011969, OMIM 608104.

Allele frequency attached by ClinVar (database versions not stated): gnomAD 0.00001; gnomAD exomes 0.00001 and 0.00009; ExAC 0.00002; TOPMed 0.00003.
gnomAD v4.1: 132 of 1,599,526 alleles (0.0083%); highest among the groups gnomAD compares: Non-Finnish European, 0.011%; no homozygotes.

Submissions (2):

PreventionGenetics, part of Exact Sciences
Classification: Likely benign for ALG8-related condition. Last evaluated: 2026-02-02. Review status: criteria provided, single submitter. Criteria: ACMG Guidelines, 2015. Collection method: clinical testing. Allele origin: germline.
Comment: This variant is classified as likely benign based on ACMG/AMP sequence variant interpretation guidelines (Richards et al. 2015 PMID: 25741868, with internal and published modifications).

Illumina Laboratory Services, Illumina
Classification: Uncertain significance for ALG8 congenital disorder of glycosylation. Last evaluated: 2018-01-13. Review status: criteria provided, single submitter. Criteria: ICSL Variant Classification Criteria 13 December 2019. Collection method: clinical testing. Allele origin: germline.

NM_024079.5(ALG8):c.678G>T (p.Gly226=)

Gene: ALG8 (ALG8 alpha-1,3-glucosyltransferase; minus strand). Cytogenetic location: 11q14.1.
Variant type: single nucleotide variant.
Coding change: c.678G>T on transcript NM_024079.5 (MANE Select); coding-DNA position 678, G replaced by T.
Protein change: p.Gly226=; no amino-acid change (glycine 226 retained).
Molecular consequence: synonymous variant.
Genome position (GRCh38, 1-based): chr11:78,113,985, C>A on the plus strand (G>T on the coding strand, the complement: ALG8 is on the minus strand). VCF-style: chr11-78113985-C-A. GRCh37 (hg19) VCF-style: chr11-77825031-C-A.
Other names: c.678G>T, p.Gly226= (NM_001007027.3).
Identifiers: ClinVar variation 881121 (VCV000881121.5), dbSNP rs754476593, ClinGen allele CA6203371.